The following is an entry in ClinVar:

ClinVar aggregate classification (germline): Uncertain significance. Review status: criteria provided, multiple submitters, no conflicts (2 of 4 stars). 2 submissions from 2 submitters: Uncertain significance (2). Last evaluated 2024-12-10.

Conditions:
Hereditary cancer-predisposing syndrome. Also called: Neoplastic Syndromes, Hereditary; Tumor predisposition; Hereditary neoplastic syndrome; Hereditary Cancer Syndrome. Identifiers: Orphanet 140162, MedGen C0027672, MeSH D009386, MONDO:0015356.
Retinoblastoma (RB1). Also called: RETINOBLASTOMA, SOMATIC. Identifiers: Orphanet 790, MedGen C0035335, MeSH D012175, MONDO:0008380, OMIM 180200, HP:0009919. Disease mechanism: loss of function. Inheritance: Both sporadic and heritable forms are tested..

Allele frequency attached by ClinVar (database versions not stated): gnomAD exomes below 0.00001.
gnomAD v4.1: 1 of 1,568,718 alleles (0.000064%); highest among the groups gnomAD compares: South Asian, 0.0011%; no homozygotes.

Submissions (2):

Labcorp Genetics (formerly Invitae), Labcorp
Classification: Uncertain significance for Retinoblastoma. Last evaluated: 2024-12-10. Review status: criteria provided, single submitter. Criteria: Invitae Variant Classification Sherloc (09022015). Collection method: clinical testing. Allele origin: germline.
Comment: This sequence change affects codon 837 of the RB1 mRNA. It is a 'silent' change, meaning that it does not change the encoded amino acid sequence of the RB1 protein. This variant is not present in population databases (gnomAD no frequency). This variant has not been reported in the literature in individuals affected with RB1-related conditions. ClinVar contains an entry for this variant (Variation ID: 838074). Algorithms developed to predict the effect of sequence changes on RNA splicing suggest that this variant may disrupt the consensus splice site. In summary, the available evidence is currently insufficient to determine the role of this variant in disease. Therefore, it has been classified as a Variant of Uncertain Significance.

Ambry Genetics
Classification: Uncertain significance for Hereditary cancer-predisposing syndrome. Last evaluated: 2020-11-25. Review status: criteria provided, single submitter. Criteria: Ambry Variant Classification Scheme 2023. Collection method: clinical testing. Allele origin: germline.
Comment: The c.2511A>G variant (also known as p.E837E), located in coding exon 24 of the RB1 gene, results from an A to G substitution at nucleotide position 2511. This nucleotide substitution does not change the glutamic acid at codon 837. However, this change occurs in the base pair of coding exon 24, which makes it likely to have some effect on normal mRNA splicing. This nucleotide position is highly conserved in available vertebrate species. In silico splice site analysis for this alteration is inconclusive. Since supporting evidence is limited at this time, the clinical significance of this alteration remains unclear.

NM_000321.3(RB1):c.2511A>G (p.Glu837=)

Gene: RB1 (RB transcriptional corepressor 1; plus strand). Cytogenetic location: 13q14.2.
Variant type: single nucleotide variant.
Coding change: c.2511A>G on transcript NM_000321.3 (MANE Select); coding-DNA position 2511, A replaced by G.
Protein change: p.Glu837=; no amino-acid change (glutamic acid 837 retained).
Molecular consequence: synonymous variant.
Genome position (GRCh38, 1-based): chr13:48,473,381, A>G. VCF-style: chr13-48473381-A-G. GRCh37 (hg19) VCF-style: chr13-49047517-A-G.
Identifiers: ClinVar variation 838074 (VCV000838074.12), dbSNP rs1949484299, ClinGen allele CA483559326.